The following is an entry in ClinVar:

ClinVar aggregate classification (germline): Likely benign. Review status: criteria provided, multiple submitters, no conflicts (2 of 4 stars). 4 submissions from 4 submitters: Likely benign (3). 1 of the submissions does not count toward it. Last evaluated 2025-12-29.

Conditions:
Hereditary cancer-predisposing syndrome. Also called: Tumor predisposition; Neoplastic Syndromes, Hereditary; Hereditary Cancer Syndrome; Hereditary neoplastic syndrome. Identifiers: Orphanet 140162, MedGen C0027672, MeSH D009386, MONDO:0015356.
Gorlin syndrome. Also called: Basal cell nevus syndrome; Nevoid Basal Cell Carcinoma Syndrome. Identifiers: Orphanet 377, MedGen C0004779, MONDO:0007187.
PTCH1-related disorder. Also called: PTCH1-related disorders; PTCH1-related condition.

Allele frequency attached by ClinVar (database versions not stated): gnomAD 0.00003; TOPMed 0.00004; gnomAD exomes 0.00005 and 0.00007; ExAC 0.00008.
gnomAD v4.1: 84 of 1,614,064 alleles (0.0052%); highest among the groups gnomAD compares: South Asian, 0.026%; 1 homozygote.

Submissions (4):

Center for Genomic Medicine, Rigshospitalet, Copenhagen University Hospital
Classification: Likely benign. Last evaluated: 2025-12-29. Review status: criteria provided, single submitter. Criteria: ACMG Guidelines, 2015. Collection method: clinical testing. Allele origin: germline.
Comment: Classification criteria: BP4, BP7

Labcorp Genetics (formerly Invitae), Labcorp
Classification: Likely benign for Gorlin syndrome. Last evaluated: 2025-11-10. Review status: criteria provided, single submitter. Criteria: Invitae Variant Classification Sherloc (09022015). Collection method: clinical testing. Allele origin: germline.

Ambry Genetics
Classification: Likely benign for Hereditary cancer-predisposing syndrome. Last evaluated: 2017-04-16. Review status: criteria provided, single submitter. Criteria: Ambry Variant Classification Scheme 2023. Collection method: clinical testing. Allele origin: germline.

PreventionGenetics, part of Exact Sciences
Classification: Likely benign for PTCH1-related condition. Last evaluated: 2019-12-16. Review status: no assertion criteria provided. Collection method: clinical testing. Allele origin: germline. Not counted in ClinVar's aggregate classification.
Comment: This variant is classified as likely benign based on ACMG/AMP sequence variant interpretation guidelines (Richards et al. 2015 PMID: 25741868, with internal and published modifications).

NM_000264.5(PTCH1):c.4185G>A (p.Gly1395=)

Gene: PTCH1 (patched 1; minus strand). Cytogenetic location: 9q22.32.
Variant type: single nucleotide variant.
Coding change: c.4185G>A on transcript NM_000264.5 (MANE Select); coding-DNA position 4185, G replaced by A.
Protein change: p.Gly1395=; no amino-acid change (glycine 1395 retained).
Molecular consequence: synonymous variant. On other transcripts: non-coding transcript variant (1).
Genome position (GRCh38, 1-based): chr9:95,447,071, C>T on the plus strand (G>A on the coding strand, the complement: PTCH1 is on the minus strand). VCF-style: chr9-95447071-C-T. GRCh37 (hg19) VCF-style: chr9-98209353-C-T.
Other names: c.3987G>A, p.Gly1329= (NM_001083602.3); c.4182G>A, p.Gly1394= (NM_001083603.3); c.3732G>A, p.Gly1244= (NM_001083604.3, NM_001083605.3, NM_001083606.3 and 1 more transcripts); c.4029G>A, p.Gly1343= (NM_001354918.2).
Identifiers: ClinVar variation 486172 (VCV000486172.19), dbSNP rs769616992, ClinGen allele CA5137930.